The following is an entry in ClinVar:

NM_001942.4(DSG1):c.2711G>A (p.Ser904Asn)

Genes: DSG1 (desmoglein 1; plus strand), DSG1-AS1 (DSG1 antisense RNA 1; minus strand). Cytogenetic location: 18q12.1.
Variant type: single nucleotide variant.
Coding change: c.2711G>A on transcript NM_001942.4 (MANE Select); coding-DNA position 2711, G replaced by A.
Protein change: p.Ser904Asn; replaces serine 904 with asparagine.
Molecular consequence: missense variant.
Genome position (GRCh38, 1-based): chr18:31,354,907, G>A. VCF-style: chr18-31354907-G-A. GRCh37 (hg19) VCF-style: chr18-28934870-G-A.
Other names: short protein forms S904N.
Identifiers: ClinVar variation 2985098 (VCV002985098.3), dbSNP rs959842945, ClinGen allele CA297704728.

ClinVar aggregate classification (germline): Uncertain significance (1 of 4 stars; one submission).

Allele frequency attached by ClinVar (database versions not stated): gnomAD exomes below 0.00001; gnomAD 0.00001; TOPMed 0.00001.
gnomAD v4.1: 5 of 1,614,064 alleles (0.00031%); highest among the groups gnomAD compares: East Asian, 0.0067%; no homozygotes.

Submission:

Labcorp Genetics (formerly Invitae), Labcorp
Classification: Uncertain significance. Last evaluated: 2024-10-28. Review status: criteria provided, single submitter. Criteria: Invitae Variant Classification Sherloc (09022015). Collection method: clinical testing. Allele origin: germline.
Comment: This sequence change replaces serine, which is neutral and polar, with asparagine, which is neutral and polar, at codon 904 of the DSG1 protein (p.Ser904Asn). This variant is present in population databases (no rsID available, gnomAD 0.02%). This variant has not been reported in the literature in individuals affected with DSG1-related conditions. An algorithm developed to predict the effect of missense changes on protein structure and function (PolyPhen-2) suggests that this variant is likely to be tolerated. In summary, the available evidence is currently insufficient to determine the role of this variant in disease. Therefore, it has been classified as a Variant of Uncertain Significance.